The following is an entry in ClinVar:

NM_001197104.2(KMT2A):c.1343A>G (p.Asn448Ser)

Gene: KMT2A (lysine methyltransferase 2A; plus strand). Cytogenetic location: 11q23.3.
Variant type: single nucleotide variant.
Coding change: c.1343A>G on transcript NM_001197104.2 (MANE Select); coding-DNA position 1343, A replaced by G.
Protein change: p.Asn448Ser; replaces asparagine 448 with serine.
Molecular consequence: missense variant.
Genome position (GRCh38, 1-based): chr11:118,472,502, A>G. VCF-style: chr11-118472502-A-G. GRCh37 (hg19) VCF-style: chr11-118343217-A-G.
Other names: c.1442A>G, p.Asn481Ser (NM_001412597.1); c.1343A>G, p.Asn448Ser (NM_005933.4); short protein forms N481S, N448S.
Identifiers: ClinVar variation 1969443 (VCV001969443.5), dbSNP rs782576050, ClinGen allele CA382809906.

ClinVar aggregate classification (germline): Uncertain significance (1 of 4 stars; one submission).

Allele frequency attached by ClinVar (database versions not stated): TOPMed 0.00001.
gnomAD v4.1: 2 of 1,613,556 alleles (0.00012%); highest among the groups gnomAD compares: African/African-American, 0.0013%; no homozygotes.

Submission:

Labcorp Genetics (formerly Invitae), Labcorp
Classification: Uncertain significance. Last evaluated: 2021-12-21. Review status: criteria provided, single submitter. Criteria: Invitae Variant Classification Sherloc (09022015). Collection method: clinical testing. Allele origin: germline.
Comment: This sequence change replaces asparagine, which is neutral and polar, with serine, which is neutral and polar, at codon 448 of the KMT2A protein (p.Asn448Ser). This variant is not present in population databases (gnomAD no frequency). This variant has not been reported in the literature in individuals affected with KMT2A-related conditions. Advanced modeling of protein sequence and biophysical properties (such as structural, functional, and spatial information, amino acid conservation, physicochemical variation, residue mobility, and thermodynamic stability) performed at Invitae indicates that this missense variant is not expected to disrupt KMT2A protein function. In summary, the available evidence is currently insufficient to determine the role of this variant in disease. Therefore, it has been classified as a Variant of Uncertain Significance.